The following is an entry in ClinVar:

ClinVar aggregate classification (germline): Uncertain significance (1 of 4 stars; one submission).

Allele frequency attached by ClinVar (database versions not stated): gnomAD exomes below 0.00001; TOPMed below 0.00001; ExAC 0.00001.

Submission:

Labcorp Genetics (formerly Invitae), Labcorp
Classification: Uncertain significance. Last evaluated: 2022-05-22. Review status: criteria provided, single submitter. Criteria: Invitae Variant Classification Sherloc (09022015). Collection method: clinical testing. Allele origin: germline.
Comment: This sequence change replaces alanine, which is neutral and non-polar, with threonine, which is neutral and polar, at codon 153 of the PHYH protein (p.Ala153Thr). This variant is present in population databases (rs774698527, gnomAD 0.0009%). This variant has not been reported in the literature in individuals affected with PHYH-related conditions. Algorithms developed to predict the effect of missense changes on protein structure and function are either unavailable or do not agree on the potential impact of this missense change (SIFT: "Deleterious"; PolyPhen-2: "Possibly Damaging"; Align-GVGD: "Class C0"). In summary, the available evidence is currently insufficient to determine the role of this variant in disease. Therefore, it has been classified as a Variant of Uncertain Significance.

NM_006214.4(PHYH):c.457G>A (p.Ala153Thr)

Gene: PHYH (phytanoyl-CoA 2-hydroxylase; minus strand). Cytogenetic location: 10p13.
Variant type: single nucleotide variant.
Coding change: c.457G>A on transcript NM_006214.4 (MANE Select); coding-DNA position 457, G replaced by A.
Protein change: p.Ala153Thr; replaces alanine 153 with threonine.
Molecular consequence: missense variant. On other transcripts: intron variant (1).
Genome position (GRCh38, 1-based): chr10:13,291,870, C>T on the plus strand (G>A on the coding strand, the complement: PHYH is on the minus strand). VCF-style: chr10-13291870-C-T. GRCh37 (hg19) VCF-style: chr10-13333870-C-T.
Other names: c.157G>A, p.Ala53Thr (NM_001037537.2, NM_001323080.2, NM_001323084.2); c.457G>A, p.Ala153Thr (NM_001323082.2); c.414+2558G>A (NM_001323083.2); short protein forms A153T, A53T.
Identifiers: ClinVar variation 1998065 (VCV001998065.1), dbSNP rs774698527, ClinGen allele CA5412365.